The following is an entry in ClinVar:

ClinVar aggregate classification (germline): Uncertain significance (1 of 4 stars; one submission).

Submission:

Labcorp Genetics (formerly Invitae), Labcorp
Classification: Uncertain significance. Last evaluated: 2024-11-18. Review status: criteria provided, single submitter. Criteria: Invitae Variant Classification Sherloc (09022015). Collection method: clinical testing. Allele origin: germline.
Comment: This sequence change replaces lysine, which is basic and polar, with asparagine, which is neutral and polar, at codon 613 of the HYOU1 protein (p.Lys613Asn). This variant is not present in population databases (gnomAD no frequency). This variant has not been reported in the literature in individuals affected with HYOU1-related conditions. An algorithm developed to predict the effect of missense changes on protein structure and function (PolyPhen-2) suggests that this variant is likely to be disruptive. In summary, the available evidence is currently insufficient to determine the role of this variant in disease. Therefore, it has been classified as a Variant of Uncertain Significance.

NM_006389.5(HYOU1):c.1839G>C (p.Lys613Asn)

Gene: HYOU1 (hypoxia up-regulated 1; minus strand). Cytogenetic location: 11q23.3.
Variant type: single nucleotide variant.
Coding change: c.1839G>C on transcript NM_006389.5 (MANE Select); coding-DNA position 1839, G replaced by C.
Protein change: p.Lys613Asn; replaces lysine 613 with asparagine.
Molecular consequence: missense variant.
Genome position (GRCh38, 1-based): chr11:119,049,171, C>G on the plus strand (G>C on the coding strand, the complement: HYOU1 is on the minus strand). VCF-style: chr11-119049171-C-G. GRCh37 (hg19) VCF-style: chr11-118919883-C-G.
Other names: c.1839G>C, p.Lys613Asn (NM_001130991.3, NM_001411041.1); short protein forms K613N.
Identifiers: ClinVar variation 3725477 (VCV003725477.2).